The following is an entry in ClinVar:

ClinVar aggregate classification (germline): Uncertain significance. Review status: reviewed by expert panel (3 of 4 stars). 7 submissions from 7 submitters: Uncertain significance (1). 6 of the submissions do not count toward it. Last evaluated 2024-06-25.

Conditions:
Chuvash polycythemia. Also called: POLYCYTHEMIA, VHL-DEPENDENT. Identifiers: Orphanet 238557, MedGen C1837915, MONDO:0009892, OMIM 263400.
Von Hippel-Lindau syndrome (VHLS). Also called: VHL syndrome; Von Hippel-Lindau; von Hippel–Lindau syndrome. Identifiers: Orphanet 892, MedGen C0019562, MONDO:0008667, OMIM 193300. Disease mechanism: loss of function.
Nonpapillary renal cell carcinoma. Identifiers: Orphanet 422526, MedGen CN074294, MONDO:0007763, OMIM 144700.
Pheochromocytoma. Also called: MAX-Related Hereditary Paraganglioma-Pheochromocytoma Syndrome. Identifiers: Orphanet 29072, MedGen C0031511, MONDO:0008233, OMIM 171300, HP:0002666.
Hereditary cancer-predisposing syndrome. Also called: Hereditary Cancer Syndrome; Hereditary neoplastic syndrome; Tumor predisposition; Neoplastic Syndromes, Hereditary. Identifiers: Orphanet 140162, MedGen C0027672, MeSH D009386, MONDO:0015356.

Allele frequency attached by ClinVar (database versions not stated): gnomAD exomes below 0.00001; gnomAD 0.00001.

Submissions (7):

ClinGen VHL Variant Curation Expert Panel, ClinGen
Classification: Uncertain significance for Von Hippel-Lindau syndrome. Last evaluated: 2024-06-25. Review status: reviewed by expert panel. Criteria: ClinGen VHL VCEP ACMG Specifications VHL V1. Collection method: curation. Allele origin: germline. Inheritance: Autosomal dominant inheritance.
Comment: The variant NM_000551.4(VHL):c.634G>T (p.Gly212Ter) is a nonsense variant that may cause loss of function of the protein, however it is predicted to escape nonsense mediated decay and remove <10% of the protein. It is within 2 amino acids from the last in VHL, and AA 205-213 have unknown or uncertain function in the protein (PVS1_Moderate). The GroupMax Filtering Allele Frequency (95% CI) in gnomAD v4.1.0 is 0.00001063 (3/74922 from African/African American Population). This is lower than the ClinGen VHL VCEP threshold expected for VHL disease, of >=0.0000156 (0.00156%) for BS1, and therefore does not meet any criterion (BS1, BA1, PM2_Supporting are not met). A total of 12 cases are reported from 3 commercial laboratories, and none of the cases harbor VHL spectrum tumors (PS4_NotMet). There are no additional cases reported in published literature. In summary, this variant meets the criteria to be classified as Uncertain for autosomal-dominant von Hippel Lindau syndrome (VHL syndrome) based on the ACMG/AMP criteria applied, as specified by the ClinGen VHL VCEP Version 1.0 (Specifications approval date: 02/26/2024. Variant Approval Date 06/25/2024).

Labcorp Genetics (formerly Invitae), Labcorp
Classification: Uncertain significance for Von Hippel-Lindau syndrome; Chuvash polycythemia. Last evaluated: 2025-11-01. Review status: criteria provided, single submitter. Criteria: Invitae Variant Classification Sherloc (09022015). Collection method: clinical testing. Allele origin: germline. Not counted in ClinVar's aggregate classification.
Comment: This sequence change creates a premature translational stop signal (p.Gly212*) in the VHL gene. While this is not anticipated to result in nonsense mediated decay, it is expected to disrupt the last 2 amino acid(s) of the VHL protein. This variant is not present in population databases (gnomAD no frequency). This variant has not been reported in the literature in individuals affected with VHL-related conditions. ClinVar contains an entry for this variant (Variation ID: 440404). Algorithms developed to predict the effect of sequence changes on RNA splicing suggest that this variant may create or strengthen a splice site. In summary, the available evidence is currently insufficient to determine the role of this variant in disease. Therefore, it has been classified as a Variant of Uncertain Significance.

Ambry Genetics
Classification: Likely benign for Hereditary cancer-predisposing syndrome. Last evaluated: 2025-03-18. Review status: criteria provided, single submitter. Criteria: Ambry Variant Classification Scheme 2023. Collection method: clinical testing. Allele origin: germline. Not counted in ClinVar's aggregate classification.

All of Us Research Program, National Institutes of Health
Classification: Uncertain significance for Von Hippel-Lindau syndrome. Last evaluated: 2024-09-23. Review status: criteria provided, single submitter. Criteria: ACMG Guidelines, 2015. Collection method: clinical testing. Allele origin: germline. Inheritance: Autosomal dominant inheritance. Observed: 3 variant alleles, 3 heterozygotes. Not counted in ClinVar's aggregate classification.
Comment: This variant changes 1 nucleotide in exon 3 of the VHL gene, creating a premature translation stop signal. This variant is not expected to trigger nonsense-mediated decay and is predicted to delete the last two amino acids in the VHL protein. To our knowledge, this variant has not been reported in individuals affected with hereditary cancer in the literature. This variant has not been identified in the general population by the Genome Aggregation Database (gnomAD). Loss of VHL function is a known mechanism of disease. The available evidence is insufficient to determine the role of this variant in disease conclusively. Therefore, this variant is classified as a Variant of Uncertain Significance.

This study involves interpretation of variants in research participants for the purpose of population health screening. Participant phenotype was not available at the time of variant classification. Additional details can be found in publication PMID: 35346344, PMCID: PMC8962531

Fulgent Genetics
Classification: Uncertain significance for Nonpapillary renal cell carcinoma; Pheochromocytoma; Von Hippel-Lindau syndrome; Chuvash polycythemia. Last evaluated: 2024-02-22. Review status: criteria provided, single submitter. Criteria: ACMG Guidelines, 2015. Collection method: clinical testing. Allele origin: germline. Not counted in ClinVar's aggregate classification.

Baylor Genetics
Classification: Uncertain significance for Chuvash polycythemia. Last evaluated: 2023-06-15. Review status: criteria provided, single submitter. Criteria: ACMG Guidelines, 2015. Collection method: clinical testing. Allele origin: unknown. Not counted in ClinVar's aggregate classification.

ARUP Laboratories, Molecular Genetics and Genomics, ARUP Laboratories
Classification: Uncertain significance. Last evaluated: 2017-03-14. Review status: criteria provided, single submitter. Criteria: ARUP Molecular Germline Variant Investigation Process. Collection method: clinical testing. Allele origin: germline. Not counted in ClinVar's aggregate classification.

Literature cited by the submitters: PubMed 38969834 (cited by Ambry Genetics).

NM_000551.4(VHL):c.634G>T (p.Gly212Ter)

Genes: VHL (von Hippel-Lindau tumor suppressor; plus strand), LOC107303340 (3p25 von Hippel-Lindau tumor suppressor, E3 ubiquitin protein ligase Alu-mediated recombination region; plus strand). Cytogenetic location: 3p25.3.
Variant type: single nucleotide variant.
Coding change: c.634G>T on transcript NM_000551.4 (MANE Select); coding-DNA position 634, G replaced by T.
Protein change: p.Gly212Ter; replaces glycine 212 with a stop codon.
Molecular consequence: nonsense. On other transcripts: 3 prime UTR variant (1).
Genome position (GRCh38, 1-based): chr3:10,149,957, G>T. VCF-style: chr3-10149957-G-T. GRCh37 (hg19) VCF-style: chr3-10191641-G-T.
Other names: NM_000551.4(VHL):c.634G>T; p.Gly212Ter; c.*188G>T (NM_001354723.2); c.511G>T, p.Gly171Ter (NM_198156.3); short protein forms G212*, G171*.
Identifiers: ClinVar variation 440404 (VCV000440404.24), dbSNP rs1553620389, ClinGen allele CA351756706.
Genomic context (GRCh38, chr3:10,149,957, plus strand): 5'-CCAAATGTGCAGAAAGACCTGGAGCGGCTGACACAGGAGCGCATTGCACATCAACGGATG[G>T]GAGATTGAAGATTTCTGTTGAAACTTACACTGTTTCATCTCAGCTTTTGATGGTACTGAT-3'